The following is an entry in ClinVar:

ClinVar aggregate classification (germline): Uncertain significance (1 of 4 stars; one submission).

Submission:

GeneDx
Classification: Uncertain significance. Last evaluated: 2019-09-04. Review status: criteria provided, single submitter. Criteria: GeneDx Variant Classification Process June 2021. Collection method: clinical testing. Allele origin: germline. Affected: yes.
Comment: Not observed in large population cohorts (Lek et al., 2016); In silico analysis, which includes protein predictors and evolutionary conservation, supports that this variant does not alter protein structure/function; Has not been previously published as pathogenic or benign to our knowledge

NM_030632.3(ASXL3):c.3712G>C (p.Val1238Leu)

Gene: ASXL3 (ASXL transcriptional regulator 3; plus strand). Cytogenetic location: 18q12.1.
Variant type: single nucleotide variant.
Coding change: c.3712G>C on transcript NM_030632.3 (MANE Select); coding-DNA position 3712, G replaced by C.
Protein change: p.Val1238Leu; replaces valine 1238 with leucine.
Molecular consequence: missense variant.
Genome position (GRCh38, 1-based): chr18:33,743,560, G>C. VCF-style: chr18-33743560-G-C. GRCh37 (hg19) VCF-style: chr18-31323524-G-C.
Other names: short protein forms V1238L.
Identifiers: ClinVar variation 1309352 (VCV001309352.2), dbSNP rs1336769342, ClinGen allele CA402185938.